The following is an entry in ClinVar:

ClinVar aggregate classification (germline): Likely benign. Review status: criteria provided, multiple submitters, no conflicts (2 of 4 stars). 4 submissions from 4 submitters: Likely benign (4). Last evaluated 2026-03-01.

Allele frequency attached by ClinVar (database versions not stated): TOPMed 0.00003; gnomAD 0.00004; gnomAD exomes 0.00006 and 0.00009; ExAC 0.00015.
gnomAD v4.1: 95 of 1,613,826 alleles (0.0059%); highest among the groups gnomAD compares: Non-Finnish European, 0.0069%; no homozygotes.

Submissions (4):

CeGaT Center for Human Genetics Tuebingen
Classification: Likely benign. Last evaluated: 2026-03-01. Review status: criteria provided, single submitter. Criteria: CeGaT Center For Human Genetics Tuebingen Variant Classification Criteria Version 2. Collection method: clinical testing. Allele origin: germline. Affected: yes. Observed: 1 variant allele.
Comment: CTNNB1: BP4, BP7

Labcorp Genetics (formerly Invitae), Labcorp
Classification: Likely benign. Last evaluated: 2024-06-03. Review status: criteria provided, single submitter. Criteria: Invitae Variant Classification Sherloc (09022015). Collection method: clinical testing. Allele origin: germline.

Blueprint Genetics
Classification: Likely benign. Last evaluated: 2024-02-15. Review status: criteria provided, single submitter. Criteria: ACMG Guidelines, 2015. Collection method: clinical testing. Allele origin: germline.

GeneDx
Classification: Likely benign. Last evaluated: 2018-10-26. Review status: criteria provided, single submitter. Criteria: GeneDx Variant Classification Process June 2021. Collection method: clinical testing. Allele origin: germline. Affected: yes.

NM_001904.4(CTNNB1):c.612T>C (p.Asn204=)

Genes: CTNNB1 (catenin beta 1; plus strand), LOC126806658 (BRD4-independent group 4 enhancer GRCh37_chr3:41265899-41267098; plus strand). Cytogenetic location: 3p22.1.
Variant type: single nucleotide variant.
Coding change: c.612T>C on transcript NM_001904.4 (MANE Select); coding-DNA position 612, T replaced by C.
Protein change: p.Asn204=; no amino-acid change (asparagine 204 retained).
Molecular consequence: synonymous variant.
Genome position (GRCh38, 1-based): chr3:41,225,450, T>C. VCF-style: chr3-41225450-T-C. GRCh37 (hg19) VCF-style: chr3-41266941-T-C.
Other names: c.612T>C, p.Asn204= (NM_001098209.2, NM_001098210.2); c.591T>C, p.Asn197= (NM_001330729.2).
Identifiers: ClinVar variation 1209410 (VCV001209410.16), dbSNP rs747895203, ClinGen allele CA2330950.